The following is an entry in ClinVar:

NM_000088.4(COL1A1):c.4132G>A (p.Asp1378Asn)

Gene: COL1A1 (collagen type I alpha 1 chain; minus strand). Cytogenetic location: 17q21.33.
Variant type: single nucleotide variant.
Coding change: c.4132G>A on transcript NM_000088.4 (MANE Select); coding-DNA position 4132, G replaced by A.
Protein change: p.Asp1378Asn; replaces aspartic acid 1378 with asparagine.
Molecular consequence: missense variant.
Genome position (GRCh38, 1-based): chr17:50,185,894, C>T on the plus strand (G>A on the coding strand, the complement: COL1A1 is on the minus strand). VCF-style: chr17-50185894-C-T. GRCh37 (hg19) VCF-style: chr17-48263255-C-T.
Other names: short protein forms D1378N.
Identifiers: ClinVar variation 4748033 (VCV004748033.1).

ClinVar aggregate classification (germline): Uncertain significance (1 of 4 stars; one submission).

Conditions:
Osteogenesis imperfecta type I (OI1). Also called: Lobstein's Disease; Lobstein disease; Classic Non-deforming Osteogenesis Imperfecta with Blue Sclerae; OI, TYPE I; OSTEOGENESIS IMPERFECTA TARDA; OSTEOGENESIS IMPERFECTA WITH BLUE SCLERAE. Identifiers: Orphanet 216796, Orphanet 666, MedGen C0023931, MONDO:0008146, OMIM 166200. Disease mechanism: loss of function.

gnomAD v4.1: 9 of 1,614,116 alleles (0.00056%); highest among the groups gnomAD compares: Non-Finnish European, 0.00076%; no homozygotes.

Submission:

Labcorp Genetics (formerly Invitae), Labcorp
Classification: Uncertain significance for Osteogenesis imperfecta type I. Last evaluated: 2025-11-15. Review status: criteria provided, single submitter. Criteria: Invitae Variant Classification Sherloc (09022015). Collection method: clinical testing. Allele origin: germline.
Comment: This sequence change replaces aspartic acid, which is acidic and polar, with asparagine, which is neutral and polar, at codon 1378 of the COL1A1 protein (p.Asp1378Asn). This variant is present in population databases (rs750954783, gnomAD 0.006%). This variant has not been reported in the literature in individuals affected with COL1A1-related conditions. Invitae Evidence Modeling of protein sequence and biophysical properties (such as structural, functional, and spatial information, amino acid conservation, physicochemical variation, residue mobility, and thermodynamic stability) has been performed for this missense variant. However, the output from this modeling did not meet the statistical confidence thresholds required to predict the impact of this variant on COL1A1 protein function. In summary, the available evidence is currently insufficient to determine the role of this variant in disease. Therefore, it has been classified as a Variant of Uncertain Significance.